The following is an entry in ClinVar:

NM_153717.3(EVC):c.93C>G (p.Ala31=)

Gene: EVC (EvC ciliary complex subunit 1; plus strand). Cytogenetic location: 4p16.2.
Variant type: single nucleotide variant.
Coding change: c.93C>G on transcript NM_153717.3 (MANE Select); coding-DNA position 93, C replaced by G.
Protein change: p.Ala31=; no amino-acid change (alanine 31 retained).
Molecular consequence: synonymous variant.
Genome position (GRCh38, 1-based): chr4:5,711,473, C>G. VCF-style: chr4-5711473-C-G. GRCh37 (hg19) VCF-style: chr4-5713200-C-G.
Other names: c.93C>G, p.Ala31= (NM_001306090.2, NM_001306092.2); c.93C>G (NM_153717.2).
Identifiers: ClinVar variation 500494 (VCV000500494.17), dbSNP rs866226288, ClinGen allele CA91734939.

ClinVar aggregate classification (germline): Conflicting classifications of pathogenicity. Review status: criteria provided, conflicting classifications (1 of 4 stars). 5 submissions from 5 submitters: Uncertain significance (1); Likely benign (2). 2 of the submissions do not count toward it. Last evaluated 2025-12-31.

Conditions:
EVC-related disorder. Also called: EVC-related condition; EVC-related disorders.
Ellis-van Creveld syndrome (EVC). Also called: Chondroectodermal dysplasia; MESOECTODERMAL DYSPLASIA. Identifiers: Orphanet 289, MedGen C0013903, MONDO:0009162, OMIM 225500.
Curry-Hall syndrome (WAD). Also called: WEYERS ACRODENTAL DYSOSTOSIS. Identifiers: Orphanet 952, MedGen C0457013, MONDO:0008673, OMIM 193530.

Allele frequency attached by ClinVar (database versions not stated): gnomAD exomes 0.00015; gnomAD 0.00194; TOPMed 0.00209; 1000 Genomes Project 30x 0.00281.
gnomAD v4.1: 410 of 1,076,374 alleles (0.038%); highest among the groups gnomAD compares: African/African-American, 0.63%; 3 homozygotes.

Submissions (5):

Labcorp Genetics (formerly Invitae), Labcorp
Classification: Likely benign for Curry-Hall syndrome; Ellis-van Creveld syndrome. Last evaluated: 2025-12-31. Review status: criteria provided, single submitter. Criteria: Invitae Variant Classification Sherloc (09022015). Collection method: clinical testing. Allele origin: germline.

Blueprint Genetics
Classification: Likely benign. Last evaluated: 2023-12-13. Review status: criteria provided, single submitter. Criteria: ACMG Guidelines, 2015. Collection method: clinical testing. Allele origin: germline.

Eurofins Ntd Llc (ga)
Classification: Uncertain significance. Last evaluated: 2017-02-21. Review status: criteria provided, single submitter. Criteria: EGL Classification Definitions 2015. Collection method: clinical testing. Allele origin: germline. Observed: 1 variant allele, 1 heterozygote.

PreventionGenetics, part of Exact Sciences
Classification: Likely benign for EVC-related condition. Last evaluated: 2021-11-10. Review status: no assertion criteria provided. Collection method: clinical testing. Allele origin: germline. Not counted in ClinVar's aggregate classification.
Comment: This variant is classified as likely benign based on ACMG/AMP sequence variant interpretation guidelines (Richards et al. 2015 PMID: 25741868, with internal and published modifications).

Natera, Inc.
Classification: Likely benign for Ellis-van Creveld syndrome. Last evaluated: 2020-05-31. Review status: no assertion criteria provided. Collection method: clinical testing. Allele origin: germline. Not counted in ClinVar's aggregate classification.